The following is an entry in ClinVar:

ClinVar aggregate classification (germline): Uncertain significance. Review status: criteria provided, multiple submitters, no conflicts (2 of 4 stars). 2 submissions from 2 submitters: Uncertain significance (2). Last evaluated 2022-06-23.

Conditions:
Developmental and epileptic encephalopathy, 33 (DEE33). Also called: Epileptic encephalopathy, early infantile, 33. Identifiers: Orphanet 442835, MedGen C4225337, MONDO:0014625, OMIM 616409.

Allele frequency attached by ClinVar (database versions not stated): gnomAD exomes below 0.00001.

Submissions (2):

Labcorp Genetics (formerly Invitae), Labcorp
Classification: Uncertain significance for Developmental and epileptic encephalopathy, 33. Last evaluated: 2022-06-23. Review status: criteria provided, single submitter. Criteria: Invitae Variant Classification Sherloc (09022015). Collection method: clinical testing. Allele origin: germline.
Comment: In summary, the available evidence is currently insufficient to determine the role of this variant in disease. Therefore, it has been classified as a Variant of Uncertain Significance. Advanced modeling of protein sequence and biophysical properties (such as structural, functional, and spatial information, amino acid conservation, physicochemical variation, residue mobility, and thermodynamic stability) performed at Invitae indicates that this missense variant is expected to disrupt EEF1A2 protein function. ClinVar contains an entry for this variant (Variation ID: 1309010). This variant has not been reported in the literature in individuals affected with EEF1A2-related conditions. This variant is present in population databases (no rsID available, gnomAD 0.0009%). This sequence change replaces arginine, which is basic and polar, with tryptophan, which is neutral and slightly polar, at codon 321 of the EEF1A2 protein (p.Arg321Trp).

GeneDx
Classification: Uncertain significance. Last evaluated: 2019-10-14. Review status: criteria provided, single submitter. Criteria: GeneDx Variant Classification Process June 2021. Collection method: clinical testing. Allele origin: germline. Affected: yes.
Comment: In silico analysis, which includes protein predictors and evolutionary conservation, supports a deleterious effect; Has not been previously published as pathogenic or benign to our knowledge

NM_001958.5(EEF1A2):c.961C>T (p.Arg321Trp)

Gene: EEF1A2 (eukaryotic translation elongation factor 1 alpha 2; minus strand). Cytogenetic location: 20q13.33.
Variant type: single nucleotide variant.
Coding change: c.961C>T on transcript NM_001958.5 (MANE Select); coding-DNA position 961, C replaced by T.
Protein change: p.Arg321Trp; replaces arginine 321 with tryptophan.
Molecular consequence: missense variant.
Genome position (GRCh38, 1-based): chr20:63,490,547, G>A on the plus strand (C>T on the coding strand, the complement: EEF1A2 is on the minus strand). VCF-style: chr20-63490547-G-A. GRCh37 (hg19) VCF-style: chr20-62121900-G-A.
Other names: short protein forms R321W.
Identifiers: ClinVar variation 1309010 (VCV001309010.6), dbSNP rs1415254392, ClinGen allele CA409647309.